The following is an entry in ClinVar:

NM_005045.4(RELN):c.5655C>T (p.Ser1885=)

Gene: RELN (reelin; minus strand). Cytogenetic location: 7q22.1.
Variant type: single nucleotide variant.
Coding change: c.5655C>T on transcript NM_005045.4 (MANE Select); coding-DNA position 5655, C replaced by T.
Protein change: p.Ser1885=; no amino-acid change (serine 1885 retained).
Molecular consequence: synonymous variant.
Genome position (GRCh38, 1-based): chr7:103,557,119, G>A on the plus strand (C>T on the coding strand, the complement: RELN is on the minus strand). VCF-style: chr7-103557119-G-A. GRCh37 (hg19) VCF-style: chr7-103197566-G-A.
Other names: c.5655C>T, p.Ser1885= (NM_173054.3); c.5655C>T (NM_005045.3).
Identifiers: ClinVar variation 1598411 (VCV001598411.10), dbSNP rs558373106, ClinGen allele CA4421139.

ClinVar aggregate classification (germline): Likely benign. Review status: criteria provided, single submitter (1 of 4 stars). 2 submissions from 2 submitters: Likely benign (1). 1 of the submissions does not count toward it. Last evaluated 2024-06-25.

Conditions:
RELN-related disorder. Also called: RELN-related condition.
Familial temporal lobe epilepsy 7. Identifiers: Orphanet 101046, MedGen C4225327, MONDO:0014639, OMIM 616436.
Norman-Roberts syndrome (LIS2). Also called: Lissencephaly 2 (Norman-Roberts type). Identifiers: Orphanet 89844, MedGen C0796089, MONDO:0009760, OMIM 257320.

Allele frequency attached by ClinVar (database versions not stated): gnomAD exomes below 0.00001; ExAC 0.00001; gnomAD 0.00001; TOPMed 0.00001; 1000 Genomes Project 0.00020; 1000 Genomes Project 30x 0.00031.
gnomAD v4.1: 2 of 1,613,658 alleles (0.00012%); highest among the groups gnomAD compares: African/African-American, 0.0027%; no homozygotes.

Submissions (2):

Labcorp Genetics (formerly Invitae), Labcorp
Classification: Likely benign for Familial temporal lobe epilepsy 7; Norman-Roberts syndrome. Last evaluated: 2024-06-25. Review status: criteria provided, single submitter. Criteria: Invitae Variant Classification Sherloc (09022015). Collection method: clinical testing. Allele origin: germline.

PreventionGenetics, part of Exact Sciences
Classification: Likely benign for RELN-related condition. Last evaluated: 2022-04-20. Review status: no assertion criteria provided. Collection method: clinical testing. Allele origin: germline. Not counted in ClinVar's aggregate classification.
Comment: This variant is classified as likely benign based on ACMG/AMP sequence variant interpretation guidelines (Richards et al. 2015 PMID: 25741868, with internal and published modifications).